The following is an entry in ClinVar:

NM_005732.4(RAD50):c.3838T>A (p.Ser1280Thr)

Genes: RAD50 (RAD50 double strand break repair protein; plus strand), TH2LCRR (T helper type 2 locus control region associated RNA; minus strand). Cytogenetic location: 5q31.1.
Variant type: single nucleotide variant.
Coding change: c.3838T>A on transcript NM_005732.4 (MANE Select); coding-DNA position 3838, T replaced by A.
Protein change: p.Ser1280Thr; replaces serine 1280 with threonine.
Molecular consequence: missense variant. On other transcripts: non-coding transcript variant (1).
Genome position (GRCh38, 1-based): chr5:132,642,263, T>A. VCF-style: chr5-132642263-T-A. GRCh37 (hg19) VCF-style: chr5-131977955-T-A.
Other names: short protein forms S1280T.
Identifiers: ClinVar variation 3942187 (VCV003942187.1).
Genomic context (GRCh38, chr5:132,642,263, plus strand): 5'-CGTAACTTCCAGCTTCTGGTAATCACTCATGATGAAGATTTTGTGGAGCTTTTAGGACGT[T>A]CTGAATATGTGGAGAAATTCTACAGGATTAAAAAGAACATCGATCAGTGCTCAGAGATTG-3'
Protein context (NP_005723.2, residues 1270-1290): DEDFVELLGR[Ser1280Thr]EYVEKFYRIK

ClinVar aggregate classification (germline): Uncertain significance (1 of 4 stars; one submission).

Conditions:
Hereditary cancer-predisposing syndrome. Also called: Tumor predisposition; Hereditary neoplastic syndrome; Hereditary Cancer Syndrome; Neoplastic Syndromes, Hereditary. Identifiers: Orphanet 140162, MedGen C0027672, MeSH D009386, MONDO:0015356.

Submission:

Ambry Genetics
Classification: Uncertain significance for Hereditary cancer-predisposing syndrome. Last evaluated: 2025-05-04. Review status: criteria provided, single submitter. Criteria: Ambry Variant Classification Scheme 2023. Collection method: clinical testing. Allele origin: germline.
Comment: The p.S1280T variant (also known as c.3838T>A), located in coding exon 25 of the RAD50 gene, results from a T to A substitution at nucleotide position 3838. The serine at codon 1280 is replaced by threonine, an amino acid with similar properties. This amino acid position is conserved. In addition, the in silico prediction for this alteration is inconclusive. Based on the available evidence, the clinical significance of this variant remains unclear.